The following is an entry in ClinVar:

NM_173477.5(USH1G):c.108del (p.Leu37fs)

Gene: USH1G (USH1 protein network component sans; minus strand). Cytogenetic location: 17q25.1.
Variant type: Deletion.
Coding change: c.108del on transcript NM_173477.5 (MANE Select); coding-DNA position 108, one base deleted (T; older notation c.108delT).
Protein change: p.Leu37fs; shifts the reading frame from leucine 37.
Molecular consequence: frameshift variant. On other transcripts: 5 prime UTR variant (1).
Genome position (GRCh38, 1-based): chr17:74,922,966, A deleted on the plus strand (T on the coding strand, the reverse complement: USH1G is on the minus strand). VCF-style (leftmost placement, unchanged base first): chr17-74922965-GA-G. GRCh37 (hg19) VCF-style: chr17-72919060-GA-G.
Other names: c.-149del (NM_001282489.3); short protein forms L37fs.
Identifiers: ClinVar variation 3601023 (VCV003601023.1).

ClinVar aggregate classification (germline): Likely pathogenic (1 of 4 stars; one submission).

Conditions:
Usher syndrome type 1G. Also called: USHER SYNDROME, TYPE IG, MILD. Identifiers: Orphanet 231169, Orphanet 886, MedGen C1847089, MONDO:0011748, OMIM 606943.

Submission:

Institute of Rare Diseases, West China Hospital, Sichuan University
Classification: Likely pathogenic for Usher syndrome type 1G. Last evaluated: 2025-01-09. Review status: criteria provided, single submitter. Criteria: ClinGen HL ACMG Specifications v1. Collection method: research. Allele origin: germline. Affected: yes.
Comment: PVS1;PM2_Supporting